The following is an entry in ClinVar:

ClinVar aggregate classification (germline): Uncertain significance (1 of 4 stars; one submission).

Allele frequency attached by ClinVar (database versions not stated): ExAC 0.00003; gnomAD 0.00009; ESP Exome Variant Server 0.00012; TOPMed 0.00008.
gnomAD v4.1: 33 of 1,611,642 alleles (0.002%); highest among the groups gnomAD compares: African/African-American, 0.037%; no homozygotes.

Submission:

Ambry Genetics
Classification: Uncertain significance. Last evaluated: 2026-07-02. Review status: criteria provided, single submitter. Criteria: Ambry Variant Classification Scheme 2023. Collection method: clinical testing. Allele origin: germline.
Comment: The c.5693G>A (p.R1898Q) alteration is located in exon 30 (coding exon 30) of the NOTCH4 gene. This alteration results from a G to A substitution at nucleotide position 5693, causing the arginine (R) at amino acid position 1898 to be replaced by a glutamine (Q). Based on data from gnomAD, the A allele has an overall frequency of 0.003% (8/271898) total alleles studied. The highest observed frequency was 0.035% (8/22814) of African alleles. Based on insufficient or conflicting evidence, the clinical significance of this alteration remains unclear.

NM_004557.4(NOTCH4):c.5693G>A (p.Arg1898Gln)

Gene: NOTCH4 (notch receptor 4; minus strand). Cytogenetic location: 6p21.32.
Variant type: single nucleotide variant.
Coding change: c.5693G>A on transcript NM_004557.4 (MANE Select); coding-DNA position 5693, G replaced by A.
Protein change: p.Arg1898Gln; replaces arginine 1898 with glutamine.
Molecular consequence: missense variant. On other transcripts: non-coding transcript variant (2).
Genome position (GRCh38, 1-based): chr6:32,195,756, C>T on the plus strand (G>A on the coding strand, the complement: NOTCH4 is on the minus strand). VCF-style: chr6-32195756-C-T. GRCh37 (hg19) VCF-style: chr6-32163533-C-T.
Other names: short protein forms R1898Q.
Identifiers: ClinVar variation 2306070 (VCV002306070.3), dbSNP rs370041101, ClinGen allele CA3738924.
Genomic context (GRCh38, chr6:32,195,756, plus strand): 5'-GCAGAAAACCTACGGCCGCGAGGGGTCGGGCCTCCTCCTGCTCCTACTCCCGAGAGGCTC[C>T]GGCAATGAGAATAGGCCCCGCCCCCCCGCGCAGCCAAGTCTACGGACCAAGTCCGAGCCT-3'
Protein context (NP_004548.3, residues 1888-1908): ARGGGAYSHC[Arg1898Gln]SLSGVGAGGG